The following is an entry in ClinVar:

ClinVar aggregate classification (germline): Uncertain significance (1 of 4 stars; one submission).

Submission:

Labcorp Genetics (formerly Invitae), Labcorp
Classification: Uncertain significance. Last evaluated: 2025-04-17. Review status: criteria provided, single submitter. Criteria: Invitae Variant Classification Sherloc (09022015). Collection method: clinical testing. Allele origin: germline.
Comment: This sequence change replaces alanine, which is neutral and non-polar, with threonine, which is neutral and polar, at codon 260 of the COL9A3 protein (p.Ala260Thr). This variant is not present in population databases (gnomAD no frequency). This variant has not been reported in the literature in individuals affected with COL9A3-related conditions. ClinVar contains an entry for this variant (Variation ID: 2807838). Invitae Evidence Modeling of protein sequence and biophysical properties (such as structural, functional, and spatial information, amino acid conservation, physicochemical variation, residue mobility, and thermodynamic stability) indicates that this missense variant is not expected to disrupt COL9A3 protein function with a negative predictive value of 95%. In summary, the available evidence is currently insufficient to determine the role of this variant in disease. Therefore, it has been classified as a Variant of Uncertain Significance.

NM_001853.4(COL9A3):c.778G>A (p.Ala260Thr)

Gene: COL9A3 (collagen type IX alpha 3 chain; plus strand). Cytogenetic location: 20q13.33.
Variant type: single nucleotide variant.
Coding change: c.778G>A on transcript NM_001853.4 (MANE Select); coding-DNA position 778, G replaced by A.
Protein change: p.Ala260Thr; replaces alanine 260 with threonine.
Molecular consequence: missense variant.
Genome position (GRCh38, 1-based): chr20:62,826,806, G>A. VCF-style: chr20-62826806-G-A. GRCh37 (hg19) VCF-style: chr20-61458158-G-A.
Other names: short protein forms A260T.
Identifiers: ClinVar variation 2807838 (VCV002807838.3), dbSNP rs2516048113, ClinGen allele CA409592309.